The following is an entry in ClinVar:

NM_144997.7(FLCN):c.301G>T (p.Glu101Ter)

Gene: FLCN (folliculin; minus strand). Cytogenetic location: 17p11.2.
Variant type: single nucleotide variant.
Coding change: c.301G>T on transcript NM_144997.7 (MANE Select); coding-DNA position 301, G replaced by T.
Protein change: p.Glu101Ter; replaces glutamic acid 101 with a stop codon.
Molecular consequence: nonsense.
Genome position (GRCh38, 1-based): chr17:17,226,271, C>A on the plus strand (G>T on the coding strand, the complement: FLCN is on the minus strand). VCF-style: chr17-17226271-C-A. GRCh37 (hg19) VCF-style: chr17-17129585-C-A.
Other names: c.301G>T, p.Glu101Ter (NM_001353229.2, NM_001353230.2, NM_001353231.2 and 1 more transcripts); short protein forms E101*.
Identifiers: ClinVar variation 822598 (VCV000822598.4), dbSNP rs1597613070, ClinGen allele CA398534887.
Genomic context (GRCh38, chr17:17,226,271, plus strand): 5'-CAATGCTGAAGAGCTGGGGGTGGCTGGGGTGCTGGTGGCTGACGTATTTAATGGAGGTCT[C>A]TTTATCATGGCTGATATATCCCGGGTGCCCTGCAGCAAGTGACCGGCAGCCCTGTCCATG-3'

ClinVar aggregate classification (germline): Pathogenic (1 of 4 stars; one submission).

Conditions:
Hereditary cancer-predisposing syndrome. Also called: Tumor predisposition; Hereditary Cancer Syndrome; Neoplastic Syndromes, Hereditary; Hereditary neoplastic syndrome. Identifiers: Orphanet 140162, MedGen C0027672, MeSH D009386, MONDO:0015356.

Submission:

Ambry Genetics
Classification: Pathogenic for Hereditary cancer-predisposing syndrome. Last evaluated: 2019-06-24. Review status: criteria provided, single submitter. Criteria: Ambry Variant Classification Scheme 2023. Collection method: clinical testing. Allele origin: germline.
Comment: The p.E101* pathogenic mutation (also known as c.301G>T), located in coding exon 2 of the FLCN gene, results from a G to T substitution at nucleotide position 301. This changes the amino acid from a glutamic acid to a stop codon within coding exon 2. This alteration is expected to result in loss of function by premature protein truncation or nonsense-mediated mRNA decay. As such, this alteration is interpreted as a disease-causing mutation.